The following is an entry in ClinVar:

ClinVar aggregate classification (germline): Uncertain significance. Review status: criteria provided, single submitter (1 of 4 stars). 2 submissions from 2 submitters: Uncertain significance (1). 1 of the submissions does not count toward it. Last evaluated 2022-05-22.

Conditions:
Combined oxidative phosphorylation defect type 8. Also called: CARDIOMYOPATHY, HYPERTROPHIC MITOCHONDRIAL, FATAL INFANTILE. Identifiers: Orphanet 319504, MedGen C4518839, MONDO:0013570, OMIM 614096.
AARS2-related disorder. Also called: AARS2-related disorders; AARS2-related condition. Identifiers: MedGen CN381518, MONDO:1060240.

Allele frequency attached by ClinVar (database versions not stated): gnomAD 0.00002; TOPMed 0.00002.
gnomAD v4.1: 21 of 1,614,068 alleles (0.0013%); highest among the groups gnomAD compares: Admixed American, 0.0067%; no homozygotes.

Submissions (2):

3billion
Classification: Uncertain significance for Combined oxidative phosphorylation defect type 8. Last evaluated: 2022-05-22. Review status: criteria provided, single submitter. Criteria: ACMG Guidelines, 2015. Collection method: clinical testing. Allele origin: germline. Affected: yes. Observed: 1 heterozygote.
Comment: The variant is observed at an extremely low frequency in the gnomAD v2.1.1 dataset (total allele frequency: 0.002%). In silico tool predictions suggest damaging effect of the variant on gene or gene product (REVEL: 0.92; 3Cnet: 0.98). A different missense change at the same codon (p.Arg625His) has been reported to be associated with AARS2 related disorder (ClinVar ID: VCV001207958). However the evidence of pathogenicity is insufficient at this time. Therefore, this variant is classified as uncertain significanceaccording to the recommendation of ACMG/AMP guideline.

PreventionGenetics, part of Exact Sciences
Classification: Uncertain significance for AARS2-related condition. Last evaluated: 2024-07-10. Review status: no assertion criteria provided. Collection method: clinical testing. Allele origin: germline. Not counted in ClinVar's aggregate classification.
Comment: The AARS2 c.1873C>T variant is predicted to result in the amino acid substitution p.Arg625Cys. To our knowledge, this variant has not been reported in the literature. This variant is reported in 0.0056% of alleles in individuals of Latino descent in gnomAD. At this time, the clinical significance of this variant is uncertain due to the absence of conclusive functional and genetic evidence.

NM_020745.4(AARS2):c.1873C>T (p.Arg625Cys)

Gene: AARS2 (alanyl-tRNA synthetase 2, mitochondrial; minus strand). Cytogenetic location: 6p21.1.
Variant type: single nucleotide variant.
Coding change: c.1873C>T on transcript NM_020745.4 (MANE Select); coding-DNA position 1873, C replaced by T.
Protein change: p.Arg625Cys; replaces arginine 625 with cysteine.
Molecular consequence: missense variant.
Genome position (GRCh38, 1-based): chr6:44,304,315, G>A on the plus strand (C>T on the coding strand, the complement: AARS2 is on the minus strand). VCF-style: chr6-44304315-G-A. GRCh37 (hg19) VCF-style: chr6-44272052-G-A.
Other names: c.1873C>T (NM_020745.3); short protein forms R625C.
Identifiers: ClinVar variation 1687164 (VCV001687164.3), dbSNP rs756662327, ClinGen allele CA3834172.